The following is an entry in ClinVar:

ClinVar aggregate classification (germline): Pathogenic. Review status: criteria provided, single submitter (1 of 4 stars). 2 submissions from 2 submitters: Pathogenic (1). 1 of the submissions does not count toward it. Last evaluated 2024-02-06.

Conditions:
Ectopia lentis 2, isolated, autosomal recessive (ECTOL2). Identifiers: Orphanet 1885, MedGen C3541474, MONDO:0009152, OMIM 225100.

Allele frequency attached by ClinVar (database versions not stated): ExAC 0.00002; gnomAD 0.00003; TOPMed 0.00004.

Submissions (2):

Labcorp Genetics (formerly Invitae), Labcorp
Classification: Pathogenic. Last evaluated: 2024-02-06. Review status: criteria provided, single submitter. Criteria: Invitae Variant Classification Sherloc (09022015). Collection method: clinical testing. Allele origin: germline.
Comment: This sequence change creates a premature translational stop signal (p.Tyr595*) in the ADAMTSL4 gene. It is expected to result in an absent or disrupted protein product. Loss-of-function variants in ADAMTSL4 are known to be pathogenic (PMID: 20564469, 28642162). This variant is present in population databases (rs118203985, gnomAD 0.03%). This premature translational stop signal has been observed in individual(s) with ectopia lentis (PMID: 20564469). ClinVar contains an entry for this variant (Variation ID: 1349). For these reasons, this variant has been classified as Pathogenic.

OMIM
Classification: Pathogenic for ECTOPIA LENTIS 2, ISOLATED, AUTOSOMAL RECESSIVE. Last evaluated: 2009-02-01. Review status: no assertion criteria provided. Collection method: literature only. Allele origin: germline. Not counted in ClinVar's aggregate classification.

Literature cited by the submitters: PubMed 20564469 (cited by Labcorp Genetics (formerly Invitae), Labcorp); PubMed 28642162 (cited by Labcorp Genetics (formerly Invitae), Labcorp); PubMed 2377351 (cited by OMIM); PubMed 19200529 (cited by OMIM).

NM_019032.6(ADAMTSL4):c.1785T>G (p.Tyr595Ter)

Genes: ADAMTSL4 (ADAMTS like 4; plus strand), ADAMTSL4-AS2 (ADAMTSL4 antisense RNA 2; minus strand). Cytogenetic location: 1q21.2.
Variant type: single nucleotide variant.
Coding change: c.1785T>G on transcript NM_019032.6 (MANE Select); coding-DNA position 1785, T replaced by G.
Protein change: p.Tyr595Ter; replaces tyrosine 595 with a stop codon.
Molecular consequence: nonsense.
Genome position (GRCh38, 1-based): chr1:150,556,974, T>G. VCF-style: chr1-150556974-T-G. GRCh37 (hg19) VCF-style: chr1-150529450-T-G.
Other names: c.1854T>G, p.Tyr618Ter (NM_001288607.2, NM_001288608.2); c.1785T>G, p.Tyr595Ter (NM_001378596.1, NM_025008.5); short protein forms Y595*, Y618*.
Identifiers: ClinVar variation 1349 (VCV000001349.10), dbSNP rs118203985, ClinGen allele CA251755.
Genomic context (GRCh38, chr1:150,556,974, plus strand): 5'-ATTCATTATCTTCTCTTCTCCCCAGATGATCTTTCAGGAGGAAAACCCAGGCGTTTTTTA[T>G]CAGTATGTCATCTCTTCACCTCCTCCAATCCTTGAGAACCCCACCCCAGAGCCCCCTGTC-3'